The following is an entry in ClinVar:

ClinVar aggregate classification (germline): Uncertain significance. Review status: criteria provided, multiple submitters, no conflicts (2 of 4 stars). 2 submissions from 2 submitters: Uncertain significance (2). Last evaluated 2022-09-29.

Conditions:
Tuberous sclerosis 2 (TSC2). Identifiers: Orphanet 805, MedGen C1860707, MONDO:0013199, OMIM 613254.

Submissions (2):

Labcorp Genetics (formerly Invitae), Labcorp
Classification: Uncertain significance for Tuberous sclerosis 2. Last evaluated: 2022-09-29. Review status: criteria provided, single submitter. Criteria: Invitae Variant Classification Sherloc (09022015). Collection method: clinical testing. Allele origin: germline.
Comment: In summary, the available evidence is currently insufficient to determine the role of this variant in disease. Therefore, it has been classified as a Variant of Uncertain Significance. Advanced modeling of protein sequence and biophysical properties (such as structural, functional, and spatial information, amino acid conservation, physicochemical variation, residue mobility, and thermodynamic stability) performed at Invitae indicates that this missense variant is not expected to disrupt TSC2 protein function. ClinVar contains an entry for this variant (Variation ID: 1310867). This variant has not been reported in the literature in individuals affected with TSC2-related conditions. This variant is not present in population databases (gnomAD no frequency). This sequence change replaces arginine, which is basic and polar, with serine, which is neutral and polar, at codon 1688 of the TSC2 protein (p.Arg1688Ser).

GeneDx
Classification: Uncertain significance. Last evaluated: 2020-01-09. Review status: criteria provided, single submitter. Criteria: GeneDx Variant Classification Process June 2021. Collection method: clinical testing. Allele origin: germline. Affected: yes.
Comment: Not observed in large population cohorts (Lek et al., 2016); In silico analysis, which includes protein predictors and evolutionary conservation, supports a deleterious effect; Has not been previously published as pathogenic or benign to our knowledge

NM_000548.5(TSC2):c.5064G>C (p.Arg1688Ser)

Gene: TSC2 (TSC complex subunit 2; plus strand). Cytogenetic location: 16p13.3.
Variant type: single nucleotide variant.
Coding change: c.5064G>C on transcript NM_000548.5 (MANE Select); coding-DNA position 5064, G replaced by C.
Protein change: p.Arg1688Ser; replaces arginine 1688 with serine.
Molecular consequence: missense variant.
Genome position (GRCh38, 1-based): chr16:2,087,937, G>C. VCF-style: chr16-2087937-G-C. GRCh37 (hg19) VCF-style: chr16-2137938-G-C.
Other names: c.4863G>C, p.Arg1621Ser (NM_001077183.3); c.4995G>C, p.Arg1665Ser (NM_001114382.3); c.4755G>C, p.Arg1585Ser (NM_001318827.2); c.4719G>C, p.Arg1573Ser (NM_001318829.2); c.4332G>C, p.Arg1444Ser (NM_001318831.2); c.4896G>C, p.Arg1632Ser (NM_001318832.2); c.4866G>C, p.Arg1622Ser (NM_001363528.2); c.4932G>C, p.Arg1644Ser (NM_001370404.1); and 1 more; short protein forms R1444S, R1573S, R1585S, R1621S, R1622S, R1632S, R1644S, R1645S.
Identifiers: ClinVar variation 1310867 (VCV001310867.9), dbSNP rs374476631, ClinGen allele CA394311697.